The following is an entry in ClinVar:

NM_001854.4(COL11A1):c.1996C>A (p.Pro666Thr)

Gene: COL11A1 (collagen type XI alpha 1 chain; minus strand). Cytogenetic location: 1p21.1.
Variant type: single nucleotide variant.
Coding change: c.1996C>A on transcript NM_001854.4 (MANE Select); coding-DNA position 1996, C replaced by A.
Protein change: p.Pro666Thr; replaces proline 666 with threonine.
Molecular consequence: missense variant. On other transcripts: non-coding transcript variant (1).
Genome position (GRCh38, 1-based): chr1:103,003,217, G>T on the plus strand (C>A on the coding strand, the complement: COL11A1 is on the minus strand). VCF-style: chr1-103003217-G-T. GRCh37 (hg19) VCF-style: chr1-103468773-G-T.
Other names: c.1879C>A, p.Pro627Thr (NM_001190709.2); c.2032C>A, p.Pro678Thr (NM_080629.3); c.1648C>A, p.Pro550Thr (NM_080630.4); short protein forms P550T, P627T, P666T, P678T.
Identifiers: ClinVar variation 3392740 (VCV003392740.2).
Genomic context (GRCh38, chr1:103,003,217, plus strand): 5'-TAAAAGGTTGGCAACAAGCTTTCCCTAGAAAATCTTCAATGTTTCCAGCAATACATACAG[G>T]CTGCCCTGGAGCTCCTGGAGTTCCCCTTGGACCCAGCAAACCTCGTGGGCCCTAGGAGAA-3'
Protein context (NP_001845.3, residues 656-676): PRGTPGAPGQ[Pro666Thr]GMAGVDGPPG

ClinVar aggregate classification (germline): Uncertain significance. Review status: criteria provided, multiple submitters, no conflicts (2 of 4 stars). 2 submissions from 2 submitters: Uncertain significance (2). Last evaluated 2026-01-20.

gnomAD v4.1: 12 of 1,613,490 alleles (0.00074%); highest among the groups gnomAD compares: South Asian, 0.011%; no homozygotes.

Submissions (2):

Labcorp Genetics (formerly Invitae), Labcorp
Classification: Uncertain significance. Last evaluated: 2026-01-20. Review status: criteria provided, single submitter. Criteria: Invitae Variant Classification Sherloc (09022015). Collection method: clinical testing. Allele origin: germline.
Comment: This sequence change replaces proline, which is neutral and non-polar, with threonine, which is neutral and polar, at codon 666 of the COL11A1 protein (p.Pro666Thr). This variant is present in population databases (rs373366240, gnomAD 0.01%). This variant has not been reported in the literature in individuals affected with COL11A1-related conditions. ClinVar contains an entry for this variant (Variation ID: 3392740). Experimental studies and prediction algorithms are not available or were not evaluated, and the functional significance of this variant is currently unknown. In summary, the available evidence is currently insufficient to determine the role of this variant in disease. Therefore, it has been classified as a Variant of Uncertain Significance.

GeneDx
Classification: Uncertain significance. Last evaluated: 2024-06-24. Review status: criteria provided, single submitter. Criteria: GeneDx Variant Classification Process June 2021. Collection method: clinical testing. Allele origin: germline. Affected: yes.
Comment: Not observed at significant frequency in large population cohorts (gnomAD); In silico analysis supports that this missense variant has a deleterious effect on protein structure/function; Has not been previously published as pathogenic or benign to our knowledge